The following is an entry in ClinVar:

NM_002224.4(ITPR3):c.1381_1382insT (p.Glu461fs)

Gene: ITPR3 (inositol 1,4,5-trisphosphate receptor type 3; plus strand). Cytogenetic location: 6p21.31.
Variant type: Insertion.
Coding change: c.1381_1382insT on transcript NM_002224.4 (MANE Select); coding-DNA positions 1381 to 1382, T inserted.
Protein change: p.Glu461fs; shifts the reading frame from glutamic acid 461.
Molecular consequence: frameshift variant.
Genome position: GRCh38 VCF-style: chr6-33665185-G-GT. GRCh37 (hg19) VCF-style: chr6-33632962-G-GT.
Other names: short protein forms E461fs.
Identifiers: ClinVar variation 2430526 (VCV002430526.1), dbSNP rs2533032166, ClinGen allele CA2580074388.

ClinVar aggregate classification (germline): Uncertain significance (1 of 4 stars; one submission).

Submission:

GeneDx
Classification: Uncertain significance. Last evaluated: 2022-08-22. Review status: criteria provided, single submitter. Criteria: GeneDx Variant Classification Process June 2021. Collection method: clinical testing. Allele origin: germline. Affected: yes.
Comment: Not observed at significant frequency in large population cohorts (gnomAD); Frameshift variant predicted to result in protein truncation or nonsense mediated decay in a gene or region of a gene for which loss of function is not a well-established mechanism of disease; Has not been previously published as pathogenic or benign to our knowledge